The following is an entry in ClinVar:

ClinVar aggregate classification (germline): Benign/Likely benign. Review status: criteria provided, multiple submitters, no conflicts (2 of 4 stars). 3 submissions from 3 submitters: Benign (1); Likely benign (2). Last evaluated 2025-05-03.

Conditions:
Lynch syndrome 5 (LYNCH5). Also called: Colorectal cancer, hereditary nonpolyposis, type 5; Hereditary non-polyposis colorectal cancer, type 5. Identifiers: Orphanet 144, MedGen C1833477, MONDO:0013710, OMIM 614350. Disease mechanism: loss of function.
Hereditary nonpolyposis colorectal neoplasms. Identifiers: MedGen C0009405, MeSH D003123.
Hereditary cancer-predisposing syndrome. Also called: Tumor predisposition; Neoplastic Syndromes, Hereditary; Hereditary Cancer Syndrome; Hereditary neoplastic syndrome. Identifiers: Orphanet 140162, MedGen C0027672, MeSH D009386, MONDO:0015356.

gnomAD v4.1: 1 of 1,613,436 alleles (0.000062%); highest among the groups gnomAD compares: Non-Finnish European, 0.000085%; no homozygotes.

Submissions (3):

Ambry Genetics
Classification: Likely benign for Hereditary cancer-predisposing syndrome. Last evaluated: 2025-05-03. Review status: criteria provided, single submitter. Criteria: Ambry Variant Classification Scheme 2023. Collection method: clinical testing. Allele origin: germline.

Myriad Genetics, Inc.
Classification: Benign for Lynch syndrome 5. Last evaluated: 2025-01-07. Review status: criteria provided, single submitter. Criteria: Myriad Autosomal Dominant, Autosomal Recessive and X-Linked Classification Criteria (2023). Collection method: clinical testing. Allele origin: unknown.
Comment: This variant is considered benign. This variant is a silent/synonymous amino acid change and it is not expected to impact splicing.

Labcorp Genetics (formerly Invitae), Labcorp
Classification: Likely benign for Hereditary nonpolyposis colorectal neoplasms. Last evaluated: 2018-08-23. Review status: criteria provided, single submitter. Criteria: Invitae Variant Classification Sherloc (09022015). Collection method: clinical testing. Allele origin: germline.

NM_000179.3(MSH6):c.3444C>T (p.Gly1148=)

Gene: MSH6 (mutS homolog 6; plus strand). Cytogenetic location: 2p16.3.
Variant type: single nucleotide variant.
Coding change: c.3444C>T on transcript NM_000179.3 (MANE Select); coding-DNA position 3444, C replaced by T.
Protein change: p.Gly1148=; no amino-acid change (glycine 1148 retained).
Molecular consequence: synonymous variant.
Genome position (GRCh38, 1-based): chr2:47,804,915, C>T. VCF-style: chr2-47804915-C-T. GRCh37 (hg19) VCF-style: chr2-48032054-C-T.
Other names: c.3054C>T, p.Gly1018= (NM_001281492.2); c.2538C>T, p.Gly846= (NM_001281493.2, NM_001281494.2).
Identifiers: ClinVar variation 766404 (VCV000766404.11), dbSNP rs1572738334, ClinGen allele CA425997193.